The following is an entry in ClinVar:

ClinVar aggregate classification (germline): Pathogenic. Review status: criteria provided, multiple submitters, no conflicts (2 of 4 stars). 3 submissions from 3 submitters: Pathogenic (3). Last evaluated 2024-11-07.

Conditions:
Hypertrophic osteoarthropathy, primary, autosomal recessive, 1 (PHOAR1). Also called: PHO, AUTOSOMAL RECESSIVE. Identifiers: Orphanet 1525, Orphanet 2796, MedGen C4551679, MONDO:0024546, OMIM 259100.

Submissions (3):

3billion
Classification: Pathogenic for Hypertrophic osteoarthropathy, primary, autosomal recessive, 1. Last evaluated: 2024-11-07. Review status: criteria provided, single submitter. Criteria: ACMG Guidelines, 2015. Collection method: clinical testing. Allele origin: germline. Affected: yes.
Comment: The variant is observed at an extremely low frequency in the gnomAD v4.1.0 dataset (total allele frequency: <0.001%). Predicted Consequence/Location: Canonical splice site: predicted to alter splicing and result in a loss or disruption of normal protein function. Multiple pathogenic loss-of-function variants are reported downstream of the variant. In silico tools predict the variant to alter splicing and produce an abnormal transcript [SpliceAI: 0.98 (spliceogenicity >=0.2, non-spliceogenicity <0.1)]. The variant has been reported to be associated with HPGD related disorder (PMID: 35813463). Therefore, this variant is classified as Pathogenic according to the recommendation of ACMG/AMP guideline.

Labcorp Genetics (formerly Invitae), Labcorp
Classification: Pathogenic. Last evaluated: 2024-02-04. Review status: criteria provided, single submitter. Criteria: Invitae Variant Classification Sherloc (09022015). Collection method: clinical testing. Allele origin: germline.
Comment: This sequence change affects a donor splice site in intron 4 of the HPGD gene. It is expected to disrupt RNA splicing. Variants that disrupt the donor or acceptor splice site typically lead to a loss of protein function (PMID: 16199547), and loss-of-function variants in HPGD are known to be pathogenic (PMID: 18500342, 19568269, 24533558, 24816859). This variant is present in population databases (rs747458590, gnomAD 0.02%). Disruption of this splice site has been observed in individual(s) with primary hypertrophic osteoarthropathy (PMID: 35813463). In at least one individual the data is consistent with being in trans (on the opposite chromosome) from a pathogenic variant. Algorithms developed to predict the effect of sequence changes on RNA splicing suggest that this variant may disrupt the consensus splice site. For these reasons, this variant has been classified as Pathogenic.

Department of Pathology and Laboratory Medicine, Sinai Health System
Classification: Pathogenic for hypertrophic osteoarthropathy, primary, autosomal recessive, 1. Last evaluated: 2022-09-15. Review status: criteria provided, single submitter. Criteria: ACMG Guidelines, 2015. Collection method: research. Allele origin: germline.

Literature cited by the submitters: PubMed 35813463 (cited by 3billion and Labcorp Genetics (formerly Invitae), Labcorp); PubMed 16199547 (cited by Labcorp Genetics (formerly Invitae), Labcorp); PubMed 18500342 (cited by Labcorp Genetics (formerly Invitae), Labcorp); PubMed 19568269 (cited by Labcorp Genetics (formerly Invitae), Labcorp); PubMed 24533558 (cited by Labcorp Genetics (formerly Invitae), Labcorp); PubMed 24816859 (cited by Labcorp Genetics (formerly Invitae), Labcorp).

NM_000860.6(HPGD):c.421+1G>T

Gene: HPGD (15-hydroxyprostaglandin dehydrogenase; minus strand). Cytogenetic location: 4q34.1.
Variant type: single nucleotide variant.
Coding change: c.421+1G>T on transcript NM_000860.6 (MANE Select); the canonical splice donor site of the intron after coding-DNA position 421, G replaced by T.
Molecular consequence: splice donor variant. On other transcripts: intron variant (1).
Genome position (GRCh38, 1-based): chr4:174,508,695, C>A on the plus strand (G>T on the coding strand, the complement: HPGD is on the minus strand). VCF-style: chr4-174508695-C-A. GRCh37 (hg19) VCF-style: chr4-175429846-C-A.
Other names: c.218-13071G>T (NM_001256306.2); c.58+1G>T (NM_001256307.2, NM_001256301.1); c.421+1G>T (NM_001256305.2, NM_001145816.3, NM_001363574.2).
Identifiers: ClinVar variation 3718029 (VCV003718029.4).